The following is an entry in ClinVar:

NM_006005.3(WFS1):c.-129A>G

Genes: WFS1 (wolframin ER transmembrane glycoprotein; plus strand), LOC129992166 (ATAC-STARR-seq lymphoblastoid silent region 15229; plus strand). Cytogenetic location: 4p16.1.
Variant type: single nucleotide variant.
Coding change: c.-129A>G on transcript NM_006005.3 (MANE Select); 129 bases upstream of the start codon, A replaced by G.
Molecular consequence: 5 prime UTR variant.
Genome position (GRCh38, 1-based): chr4:6,269,891, A>G. VCF-style: chr4-6269891-A-G. GRCh37 (hg19) VCF-style: chr4-6271618-A-G.
Other names: c.-125A>G (NM_001145853.1).
Identifiers: ClinVar variation 349297 (VCV000349297.6), dbSNP rs886059522, ClinGen allele CA10618100.
Genomic context (GRCh38, chr4:6,269,891, plus strand): 5'-GCCCCTGCCCCGCCCCCTCGTGCAGAAGGCCGCGCTAGCCGGCTCTTCAGCAGCGAGTGC[A>G]GATTGCTCCCCCGCGGCCGCAGATCTCCCGTTTGCGCCGCGTTCAGCTGCTCCCGAACAA-3'

ClinVar aggregate classification (germline): Conflicting classifications of pathogenicity. Review status: criteria provided, conflicting classifications (1 of 4 stars). 3 submissions from 2 submitters: Uncertain significance (2); Benign (1). Last evaluated 2018-01-13.

Conditions:
WFS1-Related Spectrum Disorders.
Autosomal dominant nonsyndromic hearing loss 6 (LFSNHL). Also called: DEAFNESS, AUTOSOMAL DOMINANT 6; DEAFNESS, AUTOSOMAL DOMINANT 14; DEAFNESS, AUTOSOMAL DOMINANT 38; Autosomal dominant nonsyndromic deafness 6; DIDMOAD (Diabetes Insipidus, Diabetes Mellitus, Optic Atrophy, and Deafness). Identifiers: Orphanet 90635, MedGen C1833021, MONDO:0010963, OMIM 600965.
Wolfram syndrome 1 (WFS1). Identifiers: Orphanet 3463, MedGen C4551693, MONDO:0009101, OMIM 222300.

Allele frequency attached by ClinVar (database versions not stated): TOPMed 0.00011; gnomAD 0.00013 and 0.00014; 1000 Genomes Project 30x 0.00016.

Submissions (3):

Illumina Laboratory Services, Illumina
Classification: Uncertain significance for Autosomal dominant nonsyndromic hearing loss 6. Last evaluated: 2018-01-13. Review status: criteria provided, single submitter. Criteria: ICSL Variant Classification Criteria 13 December 2019. Collection method: clinical testing. Allele origin: germline.

Illumina Laboratory Services, Illumina
Classification: Uncertain significance for WFS1-Related Spectrum Disorders. Last evaluated: 2018-01-13. Review status: criteria provided, single submitter. Criteria: ICSL Variant Classification Criteria 13 December 2019. Collection method: clinical testing. Allele origin: germline.

Clinical Genomics, Uppaluri K&H Personalized Medicine Clinic
Classification: Benign for Wolfram syndrome 1. Review status: criteria provided, single submitter. Criteria: K & H Uppaluri Personalized Medicine Clinic Variant Classification & Assertion Criteria_Updated V.1. Collection method: research. Allele origin: unknown. Inheritance: Autosomal recessive inheritance.
Comment: Potent mutations in WFS1 gene are associated with Wolfram's syndrome, an autosomal recessive condition, which cause diabetes mellitus, diabetes insipidus, deafness and optic atrophy.However no sufficient evidence is found to ascertain the role of this particular variant rs886059522 yet.

Literature cited by the submitters: PubMed 20738327 (cited by Clinical Genomics, Uppaluri K&H Personalized Medicine Clinic); PubMed 33879153 (cited by Clinical Genomics, Uppaluri K&H Personalized Medicine Clinic); PubMed 12955714 (cited by Clinical Genomics, Uppaluri K&H Personalized Medicine Clinic); PubMed 18060660 (cited by Clinical Genomics, Uppaluri K&H Personalized Medicine Clinic); PubMed 20301750 (cited by Clinical Genomics, Uppaluri K&H Personalized Medicine Clinic); PubMed 17603484 (cited by Clinical Genomics, Uppaluri K&H Personalized Medicine Clinic).